The following is an entry in ClinVar:

ClinVar aggregate classification (germline): Uncertain significance (1 of 4 stars; one submission).

Conditions:
Tietz syndrome (TADS). Also called: HYPOPIGMENTATION/DEAFNESS OF TIETZ; TIETZ ALBINISM-DEAFNESS SYNDROME; ALBINISM-DEAFNESS OF TIETZ. Identifiers: Orphanet 42665, MedGen C0391816, MONDO:0007077, OMIM 103500.
Waardenburg syndrome type 2A (WS2A). Also called: WAARDENBURG SYNDROME WITHOUT DYSTOPIA CANTHORUM. Identifiers: Orphanet 3440, MedGen C1860339, MONDO:0008671, OMIM 193510.
Melanoma, cutaneous malignant, susceptibility to, 8. Also called: MELANOMA AND RENAL CELL CARCINOMA, SUSCEPTIBILITY TO; Cutaneous malignant melanoma 8. Identifiers: Orphanet 293822, MedGen C3152204, MONDO:0013759, OMIM 614456.

Submission:

Labcorp Genetics (formerly Invitae), Labcorp
Classification: Uncertain significance for Melanoma, cutaneous malignant, susceptibility to, 8; Waardenburg syndrome type 2A; Tietz syndrome. Last evaluated: 2025-01-07. Review status: criteria provided, single submitter. Criteria: Invitae Variant Classification Sherloc (09022015). Collection method: clinical testing. Allele origin: germline.
Comment: This sequence change replaces glutamine, which is neutral and polar, with lysine, which is basic and polar, at codon 362 of the MITF protein (p.Gln362Lys). The frequency data for this variant in the population databases is considered unreliable, as metrics indicate poor data quality at this position in the gnomAD database. This variant has not been reported in the literature in individuals affected with MITF-related conditions. An algorithm developed to predict the effect of missense changes on protein structure and function (PolyPhen-2) suggests that this variant is likely to be tolerated. In summary, the available evidence is currently insufficient to determine the role of this variant in disease. Therefore, it has been classified as a Variant of Uncertain Significance.

NM_001354604.2(MITF):c.1405C>A (p.Gln469Lys)

Gene: MITF (melanocyte inducing transcription factor; plus strand). Cytogenetic location: 3p13.
Variant type: single nucleotide variant.
Coding change: c.1405C>A on transcript NM_001354604.2 (MANE Select); coding-DNA position 1405, C replaced by A.
Protein change: p.Gln469Lys; replaces glutamine 469 with lysine.
Molecular consequence: missense variant.
Genome position (GRCh38, 1-based): chr3:69,965,072, C>A. VCF-style: chr3-69965072-C-A. GRCh37 (hg19) VCF-style: chr3-70014223-C-A.
Other names: c.1084C>A, p.Gln362Lys (NM_000248.4); c.1231C>A, p.Gln411Lys (NM_001184967.2, NM_001354608.2); c.1402C>A, p.Gln468Lys (NM_001354605.2); c.1384C>A, p.Gln462Lys (NM_001354606.2, NM_006722.3); c.1336C>A, p.Gln446Lys (NM_001354607.2); c.1066C>A, p.Gln356Lys (NM_198158.3); c.1387C>A, p.Gln463Lys (NM_198159.3); c.1339C>A, p.Gln447Lys (NM_198177.3); and 1 more; short protein forms Q300K, Q356K, Q362K, Q411K, Q446K, Q447K, Q462K, Q463K.
Identifiers: ClinVar variation 3751991 (VCV003751991.2).